The following is an entry in ClinVar:

ClinVar aggregate classification (germline): Likely benign. Review status: criteria provided, multiple submitters, no conflicts (2 of 4 stars). 2 submissions from 2 submitters: Likely benign (2). Last evaluated 2025-05-27.

Conditions:
Diffuse cerebral and cerebellar atrophy - intractable seizures - progressive microcephaly syndrome. Also called: Microcephaly, progressive, with seizures and cerebral and cerebellar atrophy. Identifiers: Orphanet 404437, MedGen C4014239, MONDO:0014335, OMIM 615760.

Allele frequency attached by ClinVar (database versions not stated): ExAC 0.00003; gnomAD exomes 0.00003; gnomAD 0.00011; TOPMed 0.00020.
gnomAD v4.1: 36 of 1,613,750 alleles (0.0022%); highest among the groups gnomAD compares: African/African-American, 0.041%; no homozygotes.

Submissions (2):

Labcorp Genetics (formerly Invitae), Labcorp
Classification: Likely benign for Diffuse cerebral and cerebellar atrophy - intractable seizures - progressive microcephaly syndrome. Last evaluated: 2025-05-27. Review status: criteria provided, single submitter. Criteria: Invitae Variant Classification Sherloc (09022015). Collection method: clinical testing. Allele origin: germline.

GeneDx
Classification: Likely benign. Last evaluated: 2016-06-30. Review status: criteria provided, single submitter. Criteria: GeneDx Variant Classification (06012015). Collection method: clinical testing. Allele origin: germline. Affected: yes.
Comment: This variant is considered likely benign or benign based on one or more of the following criteria: it is a conservative change, it occurs at a poorly conserved position in the protein, it is predicted to be benign by multiple in silico algorithms, and/or has population frequency not consistent with disease.

NM_005051.3(QARS1):c.118-5C>T

Gene: QARS1 (glutaminyl-tRNA synthetase 1; minus strand). Cytogenetic location: 3p21.31.
Variant type: single nucleotide variant.
Coding change: c.118-5C>T on transcript NM_005051.3 (MANE Select); 5 bases into the intron before coding-DNA position 118, C replaced by T.
Molecular consequence: intron variant.
Genome position (GRCh38, 1-based): chr3:49,104,476, G>A on the plus strand (C>T on the coding strand, the complement: QARS1 is on the minus strand). VCF-style: chr3-49104476-G-A. GRCh37 (hg19) VCF-style: chr3-49141909-G-A.
Other names: c.118-5C>T (NM_001272073.2).
Identifiers: ClinVar variation 387222 (VCV000387222.8), dbSNP rs778689182, ClinGen allele CA2392292.